The following is an entry in ClinVar:

ClinVar aggregate classification (germline): Uncertain significance (1 of 4 stars; one submission).

Submission:

Labcorp Genetics (formerly Invitae), Labcorp
Classification: Uncertain significance. Last evaluated: 2023-08-30. Review status: criteria provided, single submitter. Criteria: Invitae Variant Classification Sherloc (09022015). Collection method: clinical testing. Allele origin: germline.
Comment: This sequence change replaces leucine, which is neutral and non-polar, with histidine, which is basic and polar, at codon 8 of the LOX protein (p.Leu8His). This variant is not present in population databases (gnomAD no frequency). This variant has not been reported in the literature in individuals affected with LOX-related conditions. Advanced modeling of protein sequence and biophysical properties (such as structural, functional, and spatial information, amino acid conservation, physicochemical variation, residue mobility, and thermodynamic stability) performed at Invitae indicates that this missense variant is not expected to disrupt LOX protein function. In summary, the available evidence is currently insufficient to determine the role of this variant in disease. Therefore, it has been classified as a Variant of Uncertain Significance.

NM_002317.7(LOX):c.23T>A (p.Leu8His)

Genes: SRFBP1 (serum response factor binding protein 1; plus strand), LOX (lysyl oxidase; minus strand). Cytogenetic location: 5q23.1.
Variant type: single nucleotide variant.
Coding change: c.23T>A on transcript NM_002317.7 (MANE Select); coding-DNA position 23, T replaced by A.
Protein change: p.Leu8His; replaces leucine 8 with histidine.
Molecular consequence: missense variant.
Genome position (GRCh38, 1-based): chr5:122,077,963, A>T on the plus strand (T>A on the coding strand, the complement: LOX is on the minus strand). VCF-style: chr5-122077963-A-T. GRCh37 (hg19) VCF-style: chr5-121413658-A-T.
Other names: short protein forms L8H.
Identifiers: ClinVar variation 2756817 (VCV002756817.3), dbSNP rs1754693346, ClinGen allele CA360878901.
Genomic context (GRCh38, chr5:122,077,963, plus strand): 5'-TGGCCGGCGGCGGGAGGGGCGCAGTGCACTAGCGCGCAGAGCTGCAAAGGCCCGAGCAGG[A>T]GCACGGTCCAGGCGAAGCGCATCACTCCTTTTGCCAGATTGACCCCGCTCGAGGAGGACG-3'
Protein context (NP_002308.2, residues 1-18): MRFAWTV[Leu8His]LLGPLQLCAL